The following is an entry in ClinVar:

ClinVar aggregate classification (germline): Pathogenic. Review status: reviewed by expert panel (3 of 4 stars). 11 submissions from 11 submitters: Pathogenic (1). 10 of the submissions do not count toward it. Last evaluated 2022-04-10.

Conditions:
HNF1A-related disorders.
Monogenic diabetes. Identifiers: Orphanet 183625, MedGen C3888631, MONDO:0015967.
Type 2 diabetes mellitus. Also called: Type II diabetes mellitus. Identifiers: MedGen C0011860, MeSH D003924, MONDO:0005148, OMIM 125853, HP:0005978.
Maturity-onset diabetes of the young type 3. Also called: MODY type 3; MODY, type III. Identifiers: Orphanet 552, MedGen C1838100, MeSH C563933, MONDO:0010894, OMIM 600496. Disease mechanism: loss of function.
Diabetes mellitus type 1 (T1D). Also called: Diabetes Mellitus, Juvenile-Onset; Type I diabetes mellitus. Identifiers: MedGen C0011854, MONDO:0005147, OMIM 222100, HP:0100651.
Nonpapillary renal cell carcinoma. Identifiers: Orphanet 422526, MedGen CN074294, MONDO:0007763, OMIM 144700.
Hepatic adenomas, familial. Also called: HEPATIC ADENOMA, SOMATIC; LIVER CELL ADENOMAS, FAMILIAL. Identifiers: MedGen C1840646, MONDO:0007718, OMIM 142330.
Type 1 diabetes mellitus 20 (T1D20). Also called: Diabetes mellitus, insulin-dependent, 20. Identifiers: MedGen C2675866, MONDO:0012919, OMIM 612520.
Maturity-onset diabetes of the young (MODY). Also called: Maturity onset diabetes mellitus in young. Identifiers: Orphanet 552, MedGen C0342276, MONDO:0018911, HP:0004904.

Allele frequency attached by ClinVar (database versions not stated): gnomAD exomes below 0.00001.

Submissions 1 to 6 of 11:

ClinGen Monogenic Diabetes Variant Curation Expert Panel
Classification: Pathogenic for Monogenic diabetes. Last evaluated: 2022-04-10. Review status: reviewed by expert panel. Criteria: ClinGen Diabetes ACMG Specifications v1 1. Collection method: curation. Allele origin: germline. Inheritance: Autosomal dominant inheritance.
Comment: The c.598C>T variant in the HNF1 homeobox A gene, HNF1A, causes an amino acid change of arginine to tryptophan at codon 200 (p.(Arg200Trp)) of NM_000545.8. This variant is predicted to be deleterious by computational evidence, with a REVEL score of 0.775, which is greater than the MDEP VCEP threshold of 0.70 (PP3) and is absent from gnomAD v2.1.1 (PM2_Supporting). Another missense variant, c.599G>A, p.(Arg200Gln), has been interpreted as pathogenic by the ClinGen MDEP, and p.Arg200Trp has a greater Grantham distance (PM5). This variant was identified in an individual with a clinical history highly specific for HNF1A-MODY (MODY probability calculator result >50%, negative genetic testing for HNF4A, and negative autoantibodies) (PP4_Moderate; PMID: 32238361). This variant was identified in at least ten unrelated individuals with non- autoimmune and non-absolute/near-absolute insulin-deficient diabetes (PS4; PMIDs: 17440016, 9754819, 29927023, 32238361; internal lab contributors). Lastly, this variant segregated with diabetes, with five informative meioses in five families with MODY (PP1_Strong; internal lab contributors). In summary, c.598C>T meets the criteria to be classified as pathogenic for monogenic diabetes. ACMG/AMP criteria applied, as specified by the ClinGen MDEP (specification version 1.1, approved 9/30/2021): PP1_Strong, PM2_Supporting, PP3, PS4, PP4_Moderate, PM5.

GeneDx
Classification: Likely pathogenic. Last evaluated: 2026-01-10. Review status: criteria provided, single submitter. Criteria: GeneDx Variant Classification Process June 2021. Collection method: clinical testing. Allele origin: germline. Affected: yes. Not counted in ClinVar's aggregate classification.
Comment: Published functional studies show possible interference with protein localization; however, proper localization does not appear to be entirely eliminated (PMID: 16274290); In silico analysis supports that this missense variant has a deleterious effect on protein structure/function; Not observed at significant frequency in large population cohorts (gnomAD); This variant is associated with the following publications: (PMID: 28012402, 29927023, 33046911, 12453420, 9754819, 22060211, 17440016, 35472491, 34789499, 28410371, 33852230, 34440499, 36208030, 36504295, 35796342, 12050210, 36257325, 32238361, 37396188, 11272211, 24014008, 31485449, 24097065, 30155490, 40853921, 16274290)

Variantyx, Inc.
Classification: Pathogenic for Maturity-onset diabetes of the young type 3. Last evaluated: 2025-09-12. Review status: criteria provided, single submitter. Criteria: Variantyx Assertion Criteria 2022. Collection method: clinical testing. Allele origin: germline. Inheritance: Autosomal dominant inheritance. Affected: yes. Not counted in ClinVar's aggregate classification.
Comment: This is a nonsynonymous variant in the HNF1A gene (OMIM: 142410). Pathogenic variants in this gene have been associated with autosomal dominant MODY, type III. This variant has been reported in several unrelated affected individuals (PMID: 9754819, 33852230, 34789499, 35796342, 36257325, 36504295) (PS4). Functional studies have shown that this variant alters HNF1A protein function (PMID: 37396188) (PS3_Moderate) and multiple computational algorithms predict a deleterious effect for this variant (REVEL score: 0.775) (PP3). An allternate amino acid change at this position (p.Arg200Gln) has been previously reported in similarly affected individuals, which suggests that this residue is biologically important (PMID: 15522234, 23517481) (PM5_Strong). The maximum allele frequency in non-founder control populations is 0.0025% s (PM2). Based on the current evidence, this variant is classified as pathogenic for autosomal dominant MODY, type III.

Labcorp Genetics (formerly Invitae), Labcorp
Classification: Pathogenic. Last evaluated: 2025-07-05. Review status: criteria provided, single submitter. Criteria: Invitae Variant Classification Sherloc (09022015). Collection method: clinical testing. Allele origin: germline. Not counted in ClinVar's aggregate classification.
Comment: This sequence change replaces arginine, which is basic and polar, with tryptophan, which is neutral and slightly polar, at codon 200 of the HNF1A protein (p.Arg200Trp). This variant is not present in population databases (gnomAD no frequency). This missense change has been observed in individuals with maturity-onset diabetes of the young (PMID: 9754819, 22060211, 37396188). ClinVar contains an entry for this variant (Variation ID: 36824). Invitae Evidence Modeling of protein sequence and biophysical properties (such as structural, functional, and spatial information, amino acid conservation, physicochemical variation, residue mobility, and thermodynamic stability) indicates that this missense variant is not expected to disrupt HNF1A protein function with a negative predictive value of 80%. Experimental studies have shown that this missense change affects HNF1A function (PMID: 37396188). This variant disrupts the p.Arg200 amino acid residue in HNF1A. Other variant(s) that disrupt this residue have been determined to be pathogenic (PMID: 15522234, 15841481, 16274290, 30663027; internal data). This suggests that this residue is clinically significant, and that variants that disrupt this residue are likely to be disease-causing. For these reasons, this variant has been classified as Pathogenic.

ARUP Laboratories, Molecular Genetics and Genomics, ARUP Laboratories
Classification: Pathogenic. Last evaluated: 2024-08-14. Review status: criteria provided, single submitter. Criteria: ARUP Molecular Germline Variant Investigation Process 2024. Collection method: clinical testing. Allele origin: germline. Not counted in ClinVar's aggregate classification.
Comment: The HNF1A c.598C>T; p.Arg200Trp variant (rs193922598, ClinVar Variation ID: 36824) is reported in the literature in numerous individuals suspected of or diagnosed with MODY (Breidbart 2021, Campos 2022, Chevre 1998, Colclough 2022, Ma 2020, Mirshashi 2022, Sahu 2007). This variant is absent from the Genome Aggregation Database (v2.1.1), indicating it is not a common polymorphism. Additionally, other variants at this codon (c.599G>A, p.Arg200Gln) have been reported in individuals with MODY and are considered pathogenic (Mirshashi 2022). Functional analyses of the variant protein demonstrate reduced transactivation activity in HeLa cells (27% of WT), but INS1 cells show only a slight reduction in activity (84% of WT); additionally, DNA binding activity and protein expression were shown to be reduced (Kavitha 2023). Computational analyses predict that this variant is deleterious (REVEL: 0.775). Based on available information, this variant is considered to be pathogenic. References: Breidbart E et al. Frequency and characterization of mutations in genes in a large cohort of patients referred to MODY registry. J Pediatr Endocrinol Metab. 2021 Apr 13;34(5):633-638. PMID: 33852230. Campos Franco P et al. Clinical and genetic characterization and long-term evaluation of individuals with maturity-onset diabetes of the young (MODY): The journey towards appropriate treatment. Diabetes Res Clin Pract. 2022 May;187:109875. PMID: 35472491. ChÃ¨vre JC et al. Mutation screening in 18 Caucasian families suggest the existence of other MODY genes. Diabetologia. 1998 Sep;41(9):1017-23. PMID: 9754819. Colclough K et al. Syndromic Monogenic Diabetes Genes Should Be Tested in Patients With a Clinical Suspicion of Maturity-Onset Diabetes of the Young. Diabetes. 2022 Mar 1;71(3):530-537. PMID: 34789499. Kavitha B et al. Molecular characterization and re-interpretation of HNF1A variants identified in Indian MODY subjects towards precision medicine. Front Endocrinol (Lausanne). 2023 Jun 16;14:1177268. PMID: 37396188. Ma Y et al. New clinical screening strategy to distinguish HNF1A variant-induced diabetes from young early-onset type 2 diabetes in a Chinese population. BMJ Open Diabetes Res Care. 2020 Mar;8(1):e000745. PMID: 32238361. Mirshahi UL et al. Reduced penetrance of MODY-associated HNF1A/HNF4A variants but not GCK variants in clinically unselected cohorts. Am J Hum Genet. 2022 Nov 3;109(11):2018-2028. PMID: 36257325. Sahu RP et al. Etiology of early-onset type 2 diabetes in Indians: islet autoimmunity and mutations in hepatocyte nuclear factor 1alpha and mitochondrial gene. J Clin Endocrinol Metab. 2007 Jul;92(7):2462-7. doi: 10.1210/jc.2006-2467. Epub 2007 Apr 17. PMID: 17440016.

Fulgent Genetics
Classification: Pathogenic for Type 2 diabetes mellitus; Hepatic adenomas, familial; Nonpapillary renal cell carcinoma; Diabetes mellitus type 1; Maturity-onset diabetes of the young type 3; Type 1 diabetes mellitus 20. Last evaluated: 2024-03-22. Review status: criteria provided, single submitter. Criteria: ACMG Guidelines, 2015. Collection method: clinical testing. Allele origin: germline. Not counted in ClinVar's aggregate classification.

NM_000545.5(HNF1A):c.598C>T (p.Arg200Trp)

Gene: HNF1A (HNF1 homeobox A; plus strand). Cytogenetic location: 12q24.31.
Variant type: single nucleotide variant.
Coding change: c.598C>T on transcript NM_000545.5; coding-DNA position 598, C replaced by T.
Protein change: p.Arg200Trp; replaces arginine 200 with tryptophan.
Molecular consequence: missense variant (on NM_000545.8).
Genome position (GRCh38, 1-based): chr12:120,993,591, C>T. VCF-style: chr12-120993591-C-T. GRCh37 (hg19) VCF-style: chr12-121431394-C-T.
Other names: NM_000545.5(HNF1A):c.598C>T; c.598C>T, p.Arg200Trp (NM_000545.8, NM_001306179.2); short protein forms R200W.
Identifiers: ClinVar variation 36824 (VCV000036824.30), dbSNP rs193922598, ClinGen allele CA214311.